The following is an entry in ClinVar:

ClinVar aggregate classification (germline): Uncertain significance. Review status: criteria provided, multiple submitters, no conflicts (2 of 4 stars). 2 submissions from 2 submitters: Uncertain significance (2). Last evaluated 2025-07-02.

Conditions:
Inborn genetic diseases. Identifiers: MedGen C0950123, MeSH D030342.
MOGS-congenital disorder of glycosylation. Also called: CDG 2B; GLUCOSIDASE I DEFICIENCY; CDG IIb; MOGS-CDG. Identifiers: Orphanet 79330, MedGen C1853736, MONDO:0011629, OMIM 606056.

Allele frequency attached by ClinVar (database versions not stated): gnomAD 0.00001; gnomAD exomes 0.00001 and 0.00002; TOPMed 0.00001.
gnomAD v4.1: 11 of 1,536,222 alleles (0.00072%); highest among the groups gnomAD compares: Admixed American, 0.0059%; no homozygotes.

Submissions (2):

Ambry Genetics
Classification: Uncertain significance for Inborn genetic diseases. Last evaluated: 2025-07-02. Review status: criteria provided, single submitter. Criteria: Ambry Variant Classification Scheme 2023. Collection method: clinical testing. Allele origin: germline.

Labcorp Genetics (formerly Invitae), Labcorp
Classification: Uncertain significance for MOGS-congenital disorder of glycosylation. Last evaluated: 2021-10-28. Review status: criteria provided, single submitter. Criteria: Invitae Variant Classification Sherloc (09022015). Collection method: clinical testing. Allele origin: germline.
Comment: This sequence change replaces alanine, which is neutral and non-polar, with valine, which is neutral and non-polar, at codon 41 of the MOGS protein (p.Ala41Val). In summary, the available evidence is currently insufficient to determine the role of this variant in disease. Therefore, it has been classified as a Variant of Uncertain Significance. Algorithms developed to predict the effect of sequence changes on RNA splicing suggest that this variant may create or strengthen a splice site. Algorithms developed to predict the effect of missense changes on protein structure and function output the following: SIFT: "Tolerated"; PolyPhen-2: "Benign"; Align-GVGD: "Class C0". The valine amino acid residue is found in multiple mammalian species, which suggests that this missense change does not adversely affect protein function. This variant has not been reported in the literature in individuals affected with MOGS-related conditions. This variant is present in population databases (no rsID available, gnomAD 0.008%).

NM_006302.3(MOGS):c.122C>T (p.Ala41Val)

Genes: MOGS (mannosyl-oligosaccharide glucosidase; minus strand), LOC129934128 (ATAC-STARR-seq lymphoblastoid silent region 11664; plus strand). Cytogenetic location: 2p13.1.
Variant type: single nucleotide variant.
Coding change: c.122C>T on transcript NM_006302.3 (MANE Select); coding-DNA position 122, C replaced by T.
Protein change: p.Ala41Val; replaces alanine 41 with valine.
Molecular consequence: missense variant. On other transcripts: intron variant (1).
Genome position (GRCh38, 1-based): chr2:74,465,126, G>A on the plus strand (C>T on the coding strand, the complement: MOGS is on the minus strand). VCF-style: chr2-74465126-G-A. GRCh37 (hg19) VCF-style: chr2-74692253-G-A.
Other names: c.-58-139C>T (NM_001146158.2); c.122C>T (NM_006302.2); short protein forms A41V.
Identifiers: ClinVar variation 1394613 (VCV001394613.5), dbSNP rs910079139, ClinGen allele CA50477105.